The following is an entry in ClinVar:

NM_000135.4(FANCA):c.91A>T (p.Lys31Ter)

Gene: FANCA (FA complementation group A; minus strand). Cytogenetic location: 16q24.3.
Variant type: single nucleotide variant.
Coding change: c.91A>T on transcript NM_000135.4 (MANE Select); coding-DNA position 91, A replaced by T.
Protein change: p.Lys31Ter; replaces lysine 31 with a stop codon.
Molecular consequence: nonsense.
Genome position (GRCh38, 1-based): chr16:89,815,975, T>A on the plus strand (A>T on the coding strand, the complement: FANCA is on the minus strand). VCF-style: chr16-89815975-T-A. GRCh37 (hg19) VCF-style: chr16-89882383-T-A.
Other names: c.91A>T, p.Lys31Ter (NM_001018112.3, NM_001286167.3, NM_001351830.2); short protein forms K31*.
Identifiers: ClinVar variation 848634 (VCV000848634.7), dbSNP rs2041101553, ClinGen allele CA397483745.
Genomic context (GRCh38, chr16:89,815,975, plus strand): 5'-GGAGGCGCACAGCTGATTCCTTTAATTTCTGTGCCCTTTCAGGATTATATTTTTCCCTCT[T>A]GACCCTTCCCGCTACGGAGAGAAGTCGGTTCGAAACCATCACAGCACAATTCACACACGG-3'

ClinVar aggregate classification (germline): Pathogenic (1 of 4 stars; one submission).

Conditions:
Fanconi anemia (FA). Also called: Fanconi's anemia. Identifiers: Orphanet 84, MedGen C0015625, MeSH D005199, MONDO:0019391.

Submission:

Labcorp Genetics (formerly Invitae), Labcorp
Classification: Pathogenic for Fanconi anemia. Last evaluated: 2022-07-05. Review status: criteria provided, single submitter. Criteria: Invitae Variant Classification Sherloc (09022015). Collection method: clinical testing. Allele origin: germline.
Comment: This variant is not present in population databases (gnomAD no frequency). This sequence change creates a premature translational stop signal (p.Lys31*) in the FANCA gene. It is expected to result in an absent or disrupted protein product. Loss-of-function variants in FANCA are known to be pathogenic (PMID: 19367192). For these reasons, this variant has been classified as Pathogenic. ClinVar contains an entry for this variant (Variation ID: 848634). This variant has not been reported in the literature in individuals affected with FANCA-related conditions.

Literature cited by the submitters: PubMed 19367192.